The following is an entry in ClinVar:

ClinVar aggregate classification (germline): Uncertain significance. Review status: criteria provided, multiple submitters, no conflicts (2 of 4 stars). 2 submissions from 2 submitters: Uncertain significance (2). Last evaluated 2025-09-14.

Conditions:
Inborn genetic diseases. Identifiers: MedGen C0950123, MeSH D030342.

gnomAD v4.1: 5 of 1,614,144 alleles (0.00031%); highest among the groups gnomAD compares: Admixed American, 0.0067%; no homozygotes.

Submissions (2):

Labcorp Genetics (formerly Invitae), Labcorp
Classification: Uncertain significance. Last evaluated: 2025-09-14. Review status: criteria provided, single submitter. Criteria: Invitae Variant Classification Sherloc (09022015). Collection method: clinical testing. Allele origin: germline.
Comment: This sequence change replaces leucine, which is neutral and non-polar, with phenylalanine, which is neutral and non-polar, at codon 862 of the COL4A1 protein (p.Leu862Phe). This variant is present in population databases (no rsID available, gnomAD 0.006%). This variant has not been reported in the literature in individuals affected with COL4A1-related conditions. ClinVar contains an entry for this variant (Variation ID: 1963781). Invitae Evidence Modeling of protein sequence and biophysical properties (such as structural, functional, and spatial information, amino acid conservation, physicochemical variation, residue mobility, and thermodynamic stability) indicates that this missense variant is not expected to disrupt COL4A1 protein function with a negative predictive value of 95%. In summary, the available evidence is currently insufficient to determine the role of this variant in disease. Therefore, it has been classified as a Variant of Uncertain Significance.

Ambry Genetics
Classification: Uncertain significance for Inborn genetic diseases. Last evaluated: 2025-04-05. Review status: criteria provided, single submitter. Criteria: Ambry Variant Classification Scheme 2023. Collection method: clinical testing. Allele origin: germline.

NM_001845.6(COL4A1):c.2584C>T (p.Leu862Phe)

Gene: COL4A1 (collagen type IV alpha 1 chain; minus strand). Cytogenetic location: 13q34.
Variant type: single nucleotide variant.
Coding change: c.2584C>T on transcript NM_001845.6 (MANE Select); coding-DNA position 2584, C replaced by T.
Protein change: p.Leu862Phe; replaces leucine 862 with phenylalanine.
Molecular consequence: missense variant.
Genome position (GRCh38, 1-based): chr13:110,178,106, G>A on the plus strand (C>T on the coding strand, the complement: COL4A1 is on the minus strand). VCF-style: chr13-110178106-G-A. GRCh37 (hg19) VCF-style: chr13-110830453-G-A.
Other names: c.2584C>T (NM_001845.4); short protein forms L862F.
Identifiers: ClinVar variation 1963781 (VCV001963781.6), dbSNP rs975712950, ClinGen allele CA388667797.